The following is an entry in ClinVar:

ClinVar aggregate classification (germline): Likely pathogenic (1 of 4 stars; one submission).

gnomAD v4.1: 1 of 1,613,662 alleles (0.000062%); highest among the groups gnomAD compares: South Asian, 0.0011%; no homozygotes.

Submission:

GeneDx
Classification: Likely pathogenic. Last evaluated: 2025-11-03. Review status: criteria provided, single submitter. Criteria: GeneDx Variant Classification Process June 2021. Collection method: clinical testing. Allele origin: germline.
Comment: Not observed at significant frequency in large population cohorts (gnomAD); Has not been previously published as pathogenic or benign to our knowledge; Nonsense variant predicted to result in protein truncation or nonsense mediated decay in a gene for which loss of function is a known mechanism of disease

NM_001256012.3(MYH10):c.4621C>T (p.Arg1541Ter)

Gene: MYH10 (myosin heavy chain 10; minus strand). Cytogenetic location: 17p13.1.
Variant type: single nucleotide variant.
Coding change: c.4621C>T on transcript NM_001256012.3 (MANE Select); coding-DNA position 4621, C replaced by T.
Protein change: p.Arg1541Ter; replaces arginine 1541 with a stop codon.
Molecular consequence: nonsense.
Genome position (GRCh38, 1-based): chr17:8,492,347, G>A on the plus strand (C>T on the coding strand, the complement: MYH10 is on the minus strand). VCF-style: chr17-8492347-G-A. GRCh37 (hg19) VCF-style: chr17-8395665-G-A.
Other names: c.4555C>T, p.Arg1519Ter (NM_001256095.2); c.4558C>T, p.Arg1520Ter (NM_001375266.1); c.4528C>T, p.Arg1510Ter (NM_005964.5); short protein forms R1510*, R1519*, R1520*, R1541*.
Identifiers: ClinVar variation 3253015 (VCV003253015.2), dbSNP rs1487966274.
Genomic context (GRCh38, chr17:8,492,347, plus strand): 5'-GGCGACTTACGTTTTTTCCCACATCATCTTTGGAGCTCATGAGGTCTTCCATGTCTGCTC[G>A]GAGCTGCTTGTTCTGCCTCTCAAACTCCTCCTTGGCCTCCAGGGCTTCCTCGAGGGCCCG-3'